The following is an entry in ClinVar:

ClinVar aggregate classification (germline): Uncertain significance (1 of 4 stars; one submission).

gnomAD v4.1: 26 of 1,614,020 alleles (0.0016%); highest among the groups gnomAD compares: African/African-American, 0.023%; no homozygotes.

Submission:

GeneDx
Classification: Uncertain significance. Last evaluated: 2024-01-25. Review status: criteria provided, single submitter. Criteria: GeneDx Variant Classification Process June 2021. Collection method: clinical testing. Allele origin: germline. Affected: yes.
Comment: In silico analysis supports that this missense variant does not alter protein structure/function; Has not been previously published as pathogenic or benign to our knowledge

NM_020320.5(RARS2):c.761G>A (p.Arg254Gln)

Gene: RARS2 (arginyl-tRNA synthetase 2, mitochondrial; minus strand). Cytogenetic location: 6q15.
Variant type: single nucleotide variant.
Coding change: c.761G>A on transcript NM_020320.5 (MANE Select); coding-DNA position 761, G replaced by A.
Protein change: p.Arg254Gln; replaces arginine 254 with glutamine.
Molecular consequence: missense variant. On other transcripts: non-coding transcript variant (23).
Genome position (GRCh38, 1-based): chr6:87,530,794, C>T on the plus strand (G>A on the coding strand, the complement: RARS2 is on the minus strand). VCF-style: chr6-87530794-C-T. GRCh37 (hg19) VCF-style: chr6-88240512-C-T.
Other names: c.236G>A, p.Arg79Gln (NM_001318785.2, NM_001350506.2, NM_001350507.2 and 4 more transcripts); c.761G>A, p.Arg254Gln (NM_001350505.2); short protein forms R254Q, R79Q.
Identifiers: ClinVar variation 3340188 (VCV003340188.1).